The following is an entry in ClinVar:

ClinVar aggregate classification (germline): Pathogenic/Likely pathogenic. Review status: criteria provided, multiple submitters, no conflicts (2 of 4 stars). 4 submissions from 4 submitters: Pathogenic (3); Likely pathogenic (1). Last evaluated 2025-07-11.

Conditions:
Osteogenesis imperfecta with normal sclerae, dominant form (OI4). Also called: OSTEOGENESIS IMPERFECTA, TYPE IV, WITH DENTINOGENESIS IMPERFECTA; OSTEOGENESIS IMPERFECTA WITH NORMAL SCLERAE; Osteogenesis imperfecta type 4; Osteogenesis Imperfecta Type IV; Common Variable Osteogenesis Imperfecta with Normal Sclerae. Identifiers: Orphanet 216820, Orphanet 666, MedGen C0268363, MONDO:0008148, OMIM 166220.
Osteogenesis imperfecta type III (OI3). Also called: Osteogenesis imperfecta type 3; OI type 3; Osteogenesis imperfecta, progressively deforming with normal sclerae; OI type III; Progressively Deforming Osteogenesis Imperfecta. Identifiers: Orphanet 216812, Orphanet 666, MedGen C0268362, MONDO:0009804, OMIM 259420.
Ehlers-Danlos syndrome, classic type, 1 (EDSCL1). Also called: EHLERS-DANLOS SYNDROME, GRAVIS TYPE; EHLERS-DANLOS SYNDROME, SEVERE CLASSIC TYPE; Ehlers-Danlos syndrome, type 1; Ehlers-Danlos Syndrome, Classic Type, COL5A1-Related; EDS I. Identifiers: MedGen C0268335, MONDO:0019567, OMIM 130000.
Osteogenesis imperfecta type I (OI1). Also called: OI, TYPE I; OSTEOGENESIS IMPERFECTA TARDA; OSTEOGENESIS IMPERFECTA WITH BLUE SCLERAE; Osteogenesis imperfecta type 1; Lobstein's Disease; Lobstein disease. Identifiers: Orphanet 216796, Orphanet 666, MedGen C0023931, MONDO:0008146, OMIM 166200. Disease mechanism: loss of function.

Submissions (4):

Dasa
Classification: Pathogenic. Last evaluated: 2025-07-11. Review status: criteria provided, single submitter. Criteria: DASA Assertion Criteria. Collection method: clinical testing. Allele origin: germline.
Comment: NM_000089.4(COL1A2):c.2197G>T (p.Gly733Cys) is a missense variant that results in the substitution of glycine with cysteine. The affected residue or protein region has prior evidence supporting clinical relevance. Segregation evidence has been reported in affected families. This variant has been recurrently observed in individuals with related phenotype (PMID: 26627451; PMID: 22795107). Multiple computational predictions support a deleterious effect on the gene or gene product. The variant is present at low frequency in population datasets. Based on the available data, this variant is classified as pathogenic.

Labcorp Genetics (formerly Invitae), Labcorp
Classification: Pathogenic for Osteogenesis imperfecta type I; Ehlers-Danlos syndrome, classic type, 1. Last evaluated: 2025-05-07. Review status: criteria provided, single submitter. Criteria: Invitae Variant Classification Sherloc (09022015). Collection method: clinical testing. Allele origin: germline.
Comment: This sequence change replaces glycine, which is neutral and non-polar, with cysteine, which is neutral and slightly polar, at codon 733 of the COL1A2 protein (p.Gly733Cys). This variant is not present in population databases (gnomAD no frequency). This missense change has been observed in individual(s) with autosomal dominant osteogenesis imperfecta (PMID: 16786509, 22795107, 37270749). Invitae Evidence Modeling of protein sequence and biophysical properties (such as structural, functional, and spatial information, amino acid conservation, physicochemical variation, residue mobility, and thermodynamic stability) indicates that this missense variant is expected to disrupt COL1A2 protein function with a positive predictive value of 95%. This variant disrupts the triple helix domain of COL1A2. Glycine residues within the Gly-Xaa-Yaa repeats of the triple helix domain are required for the structure and stability of fibrillar collagens (PMID: 7695699, 8218237, 19344236). In COL1A2, variants affecting these glycine residues are significantly enriched in individuals with disease (PMID: 9016532, 17078022) compared to the general population (ExAC). For these reasons, this variant has been classified as Pathogenic.

Clinical Genetics Service, Universitary Hospital 12 de Octubre
Classification: Pathogenic for Osteogenesis imperfecta type III. Review status: criteria provided, single submitter. Criteria: ACMG Guidelines, 2015. Collection method: clinical testing. Allele origin: de novo. Affected: yes.

Medical Genetics Laboratory, Niloo Shiraz Laboratory
Classification: Likely pathogenic for Osteogenesis imperfecta with normal sclerae, dominant form. Review status: criteria provided, single submitter. Criteria: ACMG Guidelines, 2015. Collection method: clinical testing. Allele origin: germline. Inheritance: Autosomal dominant inheritance. Affected: yes.
Comment: The COL1A2 (NM_000089.4):c.2197G>T, p.(Gly733Cys) variant was not detected in gnomAD or in our internal Niloo-Exome database, suggesting it is extremely rare in the general population. This variant segregated in a family with related disease. Multiple in silico prediction tools indicated a deleterious effect on protein function. According to ACMG/AMP guidelines, this variant is classified as Likely Pathogenic. so we classified this variant as a likely pathogenic mutaion.

Literature cited by the submitters: PubMed 26627451 (cited by Dasa); PubMed 22795107 (cited by 3 submitters); PubMed 16786509 (cited by Labcorp Genetics (formerly Invitae), Labcorp and Medical Genetics Laboratory, Niloo Shiraz Laboratory); PubMed 37270749 (cited by Labcorp Genetics (formerly Invitae), Labcorp); PubMed 7695699 (cited by Labcorp Genetics (formerly Invitae), Labcorp); PubMed 8218237 (cited by Labcorp Genetics (formerly Invitae), Labcorp); PubMed 19344236 (cited by Labcorp Genetics (formerly Invitae), Labcorp); PubMed 9016532 (cited by Labcorp Genetics (formerly Invitae), Labcorp); PubMed 17078022 (cited by Labcorp Genetics (formerly Invitae), Labcorp).

NM_000089.4(COL1A2):c.2197G>T (p.Gly733Cys)

Gene: COL1A2 (collagen type I alpha 2 chain; plus strand). Cytogenetic location: 7q21.3.
Variant type: single nucleotide variant.
Coding change: c.2197G>T on transcript NM_000089.4 (MANE Select); coding-DNA position 2197, G replaced by T.
Protein change: p.Gly733Cys; replaces glycine 733 with cysteine.
Molecular consequence: missense variant.
Genome position (GRCh38, 1-based): chr7:94,420,550, G>T. VCF-style: chr7-94420550-G-T. GRCh37 (hg19) VCF-style: chr7-94049862-G-T.
Other names: short protein forms G733C.
Identifiers: ClinVar variation 4280323 (VCV004280323.4).